The following is an entry in ClinVar:

NM_001365276.2(TNXB):c.11610T>A (p.Asn3870Lys)

Genes: TNXB (tenascin XB; minus strand), LOC106780803 (tenascin XB recombination region; plus strand). Cytogenetic location: 6p21.33.
Variant type: single nucleotide variant.
Coding change: c.11610T>A on transcript NM_001365276.2 (MANE Select); coding-DNA position 11610, T replaced by A.
Protein change: p.Asn3870Lys; replaces asparagine 3870 with lysine.
Molecular consequence: missense variant.
Genome position (GRCh38, 1-based): chr6:32,043,477, A>T on the plus strand (T>A on the coding strand, the complement: TNXB is on the minus strand). VCF-style: chr6-32043477-A-T. GRCh37 (hg19) VCF-style: chr6-32011254-A-T.
Other names: p.Asn3868Lys; c.11604T>A, p.Asn3868Lys (NM_019105.8); c.897T>A, p.Asn299Lys (NM_032470.4); c.11604T>A (NM_019105.6); short protein forms N299K, N3868K, N3870K.
Identifiers: ClinVar variation 2682924 (VCV002682924.2), dbSNP rs772957662, ClinGen allele CA3732922.

ClinVar aggregate classification (germline): Uncertain significance. Review status: criteria provided, multiple submitters, no conflicts (2 of 4 stars). 2 submissions from 2 submitters: Uncertain significance (2). Last evaluated 2025-07-12.

Conditions:
Cardiovascular phenotype. Identifiers: MedGen CN230736.

Allele frequency attached by ClinVar (database versions not stated): gnomAD 0.00002; gnomAD exomes 0.00006.
gnomAD v4.1: 34 of 632,682 alleles (0.0054%); highest among the groups gnomAD compares: Non-Finnish European, 0.0086%; no homozygotes.

Submissions (2):

Ambry Genetics
Classification: Uncertain significance for Cardiovascular phenotype. Last evaluated: 2025-07-12. Review status: criteria provided, single submitter. Criteria: Ambry Variant Classification Scheme 2023. Collection method: clinical testing. Allele origin: germline.

Mayo Clinic Laboratories, Mayo Clinic
Classification: Uncertain significance. Last evaluated: 2023-06-13. Review status: criteria provided, single submitter. Criteria: ACMG Guidelines, 2015. Collection method: clinical testing. Allele origin: germline. Observed: 1 variant allele.
Comment: BP4_strong